The following is an entry in ClinVar:

ClinVar aggregate classification (germline): Conflicting classifications of pathogenicity. Review status: criteria provided, conflicting classifications (1 of 4 stars). 2 submissions from 2 submitters: Uncertain significance (1); Likely benign (1). Last evaluated 2024-08-05.

Conditions:
Inborn genetic diseases. Identifiers: MedGen C0950123, MeSH D030342.
Developmental and epileptic encephalopathy, 30 (DEE30). Also called: Epileptic encephalopathy, early infantile, 30. Identifiers: MedGen C4225360, MONDO:0014595, OMIM 616341.

Allele frequency attached by ClinVar (database versions not stated): gnomAD exomes below 0.00001; ExAC 0.00001.

Submissions (2):

Ambry Genetics
Classification: Likely benign for Inborn genetic diseases. Last evaluated: 2024-08-05. Review status: criteria provided, single submitter. Criteria: Ambry Variant Classification Scheme 2023. Collection method: clinical testing. Allele origin: germline.

Labcorp Genetics (formerly Invitae), Labcorp
Classification: Uncertain significance for Developmental and epileptic encephalopathy, 30. Last evaluated: 2020-10-15. Review status: criteria provided, single submitter. Criteria: Invitae Variant Classification Sherloc (09022015). Collection method: clinical testing. Allele origin: germline.
Comment: In summary, the available evidence is currently insufficient to determine the role of this variant in disease. Therefore, it has been classified as a Variant of Uncertain Significance. Advanced modeling of protein sequence and biophysical properties (such as structural, functional, and spatial information, amino acid conservation, physicochemical variation, residue mobility, and thermodynamic stability) performed at Invitae indicates that this missense variant is not expected to disrupt SIK1 protein function. This variant has not been reported in the literature in individuals with SIK1-related conditions. This variant is present in population databases (rs746480237, ExAC 0.002%). This sequence change replaces leucine with proline at codon 564 of the SIK1 protein (p.Leu564Pro). The leucine residue is moderately conserved and there is a moderate physicochemical difference between leucine and proline.

NM_173354.5(SIK1):c.1691T>C (p.Leu564Pro)

Gene: SIK1 (salt inducible kinase 1; minus strand). Cytogenetic location: 21q22.3.
Variant type: single nucleotide variant.
Coding change: c.1691T>C on transcript NM_173354.5 (MANE Select); coding-DNA position 1691, T replaced by C.
Protein change: p.Leu564Pro; replaces leucine 564 with proline.
Molecular consequence: missense variant.
Genome position (GRCh38, 1-based): chr21:43,418,313, A>G on the plus strand (T>C on the coding strand, the complement: SIK1 is on the minus strand). VCF-style: chr21-43418313-A-G. GRCh37 (hg19) VCF-style: chr21-44838193-A-G.
Other names: c.1691T>C (NM_173354.3); short protein forms L564P.
Identifiers: ClinVar variation 1025710 (VCV001025710.10), dbSNP rs746480237, ClinGen allele CA321325330.
Genomic context (GRCh38, chr21:43,418,313, plus strand): 5'-GGCTCACCTTGAGTCAGTGAGGTGTCCGACGCCCGCCGTCCCTCCTGGAAGCTGACAGGG[A>G]GCAGAACAGCTCCTCCCAAGCCCCCCTGAGCCTGCAGCACTGGGGTGGCGGACTGCGACC-3'
Protein context (NP_775490.2, residues 554-574): AQGGLGGAVL[Leu564Pro]PVSFQEGRRA